The following is an entry in ClinVar:

ClinVar aggregate classification (germline): Pathogenic. Review status: criteria provided, multiple submitters, no conflicts (2 of 4 stars). 2 submissions from 2 submitters: Pathogenic (2). Last evaluated 2024-03-26.

Conditions:
Schimke immuno-osseous dysplasia (SIOD). Also called: Schimke Immunoosseous Dysplasia. Identifiers: Orphanet 1830, MedGen C0877024, MONDO:0009458, OMIM 242900.

Submissions (2):

Fulgent Genetics
Classification: Pathogenic for Schimke immuno-osseous dysplasia. Last evaluated: 2024-03-26. Review status: criteria provided, single submitter. Criteria: ACMG Guidelines, 2015. Collection method: clinical testing. Allele origin: germline.

Labcorp Genetics (formerly Invitae), Labcorp
Classification: Pathogenic for Schimke immuno-osseous dysplasia. Last evaluated: 2022-08-23. Review status: criteria provided, single submitter. Criteria: Invitae Variant Classification Sherloc (09022015). Collection method: clinical testing. Allele origin: germline.
Comment: For these reasons, this variant has been classified as Pathogenic. ClinVar contains an entry for this variant (Variation ID: 1458113). This premature translational stop signal has been observed in individual(s) with Schimke immuno-osseous dysplasia (PMID: 22998683). This variant is present in population databases (rs758672665, gnomAD 0.007%). This sequence change creates a premature translational stop signal (p.Pro480Alafs*51) in the SMARCAL1 gene. It is expected to result in an absent or disrupted protein product. Loss-of-function variants in SMARCAL1 are known to be pathogenic (PMID: 11799392, 20301550).

Literature cited by the submitters: PubMed 22998683 (cited by Labcorp Genetics (formerly Invitae), Labcorp); PubMed 11799392 (cited by Labcorp Genetics (formerly Invitae), Labcorp); PubMed 20301550 (cited by Labcorp Genetics (formerly Invitae), Labcorp).

NM_014140.4(SMARCAL1):c.1437dup (p.Pro480fs)

Gene: SMARCAL1 (SNF2 related chromatin remodeling annealing helicase 1; plus strand). Cytogenetic location: 2q35.
Variant type: Duplication.
Coding change: c.1437dup on transcript NM_014140.4 (MANE Select); coding-DNA position 1437, one base duplicated (G; older notation c.1437dupG).
Protein change: p.Pro480fs; shifts the reading frame from proline 480.
Molecular consequence: frameshift variant.
Genome position (GRCh38, 1-based): chr2:216,432,820, G duplicated; the last of 2 consecutive G bases (chr2:216,432,819-216,432,820); duplicating either gives the same sequence. VCF-style (leftmost placement, unchanged base first): chr2-216432818-T-TG. GRCh37 (hg19) VCF-style: chr2-217297541-T-TG.
Other names: c.1437dup, p.Pro480fs (NM_001127207.2); short protein forms P480fs.
Identifiers: ClinVar variation 1458113 (VCV001458113.7), dbSNP rs758672665, ClinGen allele CA2097882.